The following is an entry in ClinVar:

ClinVar aggregate classification (germline): Conflicting classifications of pathogenicity. Review status: criteria provided, conflicting classifications (1 of 4 stars). 3 submissions from 3 submitters: Likely pathogenic (1); Uncertain significance (2). Last evaluated 2026-03-25.

Conditions:
Tumor predisposition syndrome 3 (TPDS3). Also called: Melanoma, cutaneous malignant, susceptibility to, 10; Glioma susceptibility 9; LONG TELOMERE SYNDROME, POT1-RELATED; POT1 Tumor Predisposition. Identifiers: Orphanet 618, MedGen C4014476, MONDO:0014368, OMIM 615848.
Hereditary cancer-predisposing syndrome. Also called: Tumor predisposition; Hereditary Cancer Syndrome; Neoplastic Syndromes, Hereditary; Hereditary neoplastic syndrome. Identifiers: Orphanet 140162, MedGen C0027672, MeSH D009386, MONDO:0015356.

Allele frequency attached by ClinVar (database versions not stated): gnomAD exomes below 0.00001; TOPMed 0.00001; gnomAD 0.00003.
gnomAD v4.1: 6 of 1,587,978 alleles (0.00038%); highest among the groups gnomAD compares: Non-Finnish European, 0.000086%; no homozygotes.

Submissions (3):

Ambry Genetics
Classification: Likely pathogenic for Hereditary cancer-predisposing syndrome. Last evaluated: 2026-03-25. Review status: criteria provided, single submitter. Criteria: Ambry Variant Classification Scheme 2023. Collection method: clinical testing. Allele origin: germline.
Comment: The c.1594G>C variant (also known as p.A532P), located in coding exon 12 of the POT1 gene, results from a G to C substitution at nucleotide position 1594. The alanine at codon 532 is replaced by proline, an amino acid with highly similar properties. However, this change occurs in the last base pair of coding exon 12, which makes it likely to have some effect on normal mRNA splicing. This variant was reported in individual(s) with features consistent with POT1-related tumor predisposition syndrome (Shi J et al. Nat Genet, 2014 May;46:482-6; Hakkarainen M et al. EJHaem, 2022 Nov;3:1352-1357). This nucleotide position is highly conserved in available vertebrate species. This amino acid position is poorly conserved in available vertebrate species. In silico splice site analysis predicts that this alteration will weaken the native splice donor site. In addition, as a missense substitution this alteration is predicted to be tolerated by in silico analysis. Based on the majority of available evidence to date, this variant is likely to be pathogenic.

Labcorp Genetics (formerly Invitae), Labcorp
Classification: Uncertain significance for Tumor predisposition syndrome 3. Last evaluated: 2022-10-16. Review status: criteria provided, single submitter. Criteria: Invitae Variant Classification Sherloc (09022015). Collection method: clinical testing. Allele origin: germline.
Comment: In summary, the available evidence is currently insufficient to determine the role of this variant in disease. Therefore, it has been classified as a Variant of Uncertain Significance. Variants that disrupt the consensus splice site are a relatively common cause of aberrant splicing (PMID: 17576681, 9536098). Algorithms developed to predict the effect of sequence changes on RNA splicing suggest that this variant may disrupt the consensus splice site. Experimental studies have shown that this variant affects POT1 function (PMID: 26365187, 28393830). Algorithms developed to predict the effect of missense changes on protein structure and function are either unavailable or do not agree on the potential impact of this missense change (SIFT: "Deleterious"; PolyPhen-2: "Benign"; Align-GVGD: "Class C0"). ClinVar contains an entry for this variant (Variation ID: 486153). This variant has been observed in individual(s) with melanoma (PMID: 24686846). This variant is present in population databases (no rsID available, gnomAD 0.007%). This sequence change affects codon 532 of the POT1 mRNA. It is a 'silent' change, meaning that it does not change the encoded amino acid sequence of the POT1 protein. This variant also falls at the last nucleotide of exon 16, which is part of the consensus splice site for this exon.

Blueprint Genetics
Classification: Uncertain significance. Last evaluated: 2021-04-07. Review status: criteria provided, single submitter. Criteria: ACMG Guidelines, 2015. Collection method: clinical testing. Allele origin: germline.

Literature cited by the submitters: PubMed 24686846 (cited by Ambry Genetics and Labcorp Genetics (formerly Invitae), Labcorp); PubMed 36467798 (cited by Ambry Genetics); PubMed 17576681 (cited by Labcorp Genetics (formerly Invitae), Labcorp); PubMed 9536098 (cited by Labcorp Genetics (formerly Invitae), Labcorp); PubMed 26365187 (cited by Labcorp Genetics (formerly Invitae), Labcorp); PubMed 28393830 (cited by Labcorp Genetics (formerly Invitae), Labcorp).

NM_015450.3(POT1):c.1594G>C (p.Ala532Pro)

Gene: POT1 (protection of telomeres 1; minus strand). Cytogenetic location: 7q31.33.
Variant type: single nucleotide variant.
Coding change: c.1594G>C on transcript NM_015450.3 (MANE Select); coding-DNA position 1594, G replaced by C.
Protein change: p.Ala532Pro; replaces alanine 532 with proline.
Molecular consequence: missense variant. On other transcripts: non-coding transcript variant (2).
Genome position (GRCh38, 1-based): chr7:124,829,254, C>G on the plus strand (G>C on the coding strand, the complement: POT1 is on the minus strand). VCF-style: chr7-124829254-C-G. GRCh37 (hg19) VCF-style: chr7-124469308-C-G.
Other names: c.1201G>C, p.Ala401Pro (NM_001042594.2); short protein forms A532P, A401P.
Identifiers: ClinVar variation 486153 (VCV000486153.13), dbSNP rs537377921, ClinGen allele CA369064261.
Genomic context (GRCh38, chr7:124,829,254, plus strand): 5'-TAGGTGAAATAACCTTGTAAACAAACAGTTAAAATTGCAGGGCATGGAAATTTAGCTAAC[C>G]TTCTGCCACAGAAGAAGGAATCCACGATGTTTTATCAACCAGGGAATTTAGATTTTGTAT-3'
Protein context (NP_056265.2, residues 522-542): TSWIPSSVAE[Ala532Pro]LGIVPLQYVF